The following is an entry in ClinVar:

NM_005630.3(SLCO2A1):c.252C>T (p.Leu84=)

Gene: SLCO2A1 (solute carrier organic anion transporter family member 2A1; minus strand). Cytogenetic location: 3q22.1.
Variant type: single nucleotide variant.
Coding change: c.252C>T on transcript NM_005630.3 (MANE Select); coding-DNA position 252, C replaced by T.
Protein change: p.Leu84=; no amino-acid change (leucine 84 retained).
Molecular consequence: synonymous variant.
Genome position (GRCh38, 1-based): chr3:133,973,808, G>A on the plus strand (C>T on the coding strand, the complement: SLCO2A1 is on the minus strand). VCF-style: chr3-133973808-G-A. GRCh37 (hg19) VCF-style: chr3-133692652-G-A.
Identifiers: ClinVar variation 3049675 (VCV003049675.2), dbSNP rs377718592, ClinGen allele CA2626886.

ClinVar aggregate classification (germline): Likely benign (0 of 4 stars; one submission).

Conditions:
SLCO2A1-related disorder. Also called: SLCO2A1-related condition.

gnomAD v4.1: 4 of 1,613,482 alleles (0.00025%); highest among the groups gnomAD compares: Admixed American, 0.005%; no homozygotes.

Submission:

PreventionGenetics, part of Exact Sciences
Classification: Likely benign for SLCO2A1-related condition. Last evaluated: 2019-07-12. Review status: no assertion criteria provided. Collection method: clinical testing. Allele origin: germline.
Comment: This variant is classified as likely benign based on ACMG/AMP sequence variant interpretation guidelines (Richards et al. 2015 PMID: 25741868, with internal and published modifications).